The following is an entry in ClinVar:

ClinVar aggregate classification (germline): Likely pathogenic (1 of 4 stars; one submission).

Conditions:
Primary ciliary dyskinesia. Also called: Ciliary dyskinesia. Identifiers: Orphanet 244, MedGen C0008780, MONDO:0016575, HP:0012265.

Submission:

Labcorp Genetics (formerly Invitae), Labcorp
Classification: Likely pathogenic for Primary ciliary dyskinesia. Last evaluated: 2023-02-08. Review status: criteria provided, single submitter. Criteria: Invitae Variant Classification Sherloc (09022015). Collection method: clinical testing. Allele origin: unknown.
Comment: This variant results in a copy number gain of the genomic region encompassing exon(s) 3 of the DNAH5 gene. While the exact position of this variant cannot be determined from the data, sub-genic copy number gains are generally in tandem (PMID: 25640679). This variant is predicted to be out-of-frame, and may result in an absent or disrupted protein product. Loss-of-function variants in DNAH5 are known to be pathogenic (PMID: 11788826, 16627867). This variant has not been reported in the literature in individuals affected with DNAH5-related conditions. In summary, the currently available evidence indicates that the variant is pathogenic, but additional data are needed to prove that conclusively. Therefore, this variant has been classified as Likely Pathogenic.

Literature cited by the submitters: PubMed 25640679; PubMed 11788826; PubMed 16627867.

NC_000005.9:g.(?_13928183)_(13928307_?)dup

Gene: DNAH5 (dynein axonemal heavy chain 5; minus strand). Cytogenetic location: 5p15.2.
Variant type: Duplication.
Identifiers: ClinVar variation 3246264 (VCV003246264.1).